The following is an entry in ClinVar:

NM_014363.6(SACS):c.9119dup (p.Asn3040fs)

Gene: SACS (sacsin molecular chaperone; minus strand). Cytogenetic location: 13q12.12.
Variant type: Duplication.
Coding change: c.9119dup on transcript NM_014363.6 (MANE Select); coding-DNA position 9119, one base duplicated (A; older notation c.9119dupA).
Protein change: p.Asn3040fs; shifts the reading frame from asparagine 3040.
Molecular consequence: frameshift variant.
Genome position (GRCh38, 1-based): chr13:23,334,757, T duplicated on the plus strand (A on the coding strand, the reverse complement: SACS is on the minus strand); the first of 5 consecutive T bases (chr13:23,334,757-23,334,761); duplicating any one gives the same sequence. VCF-style (leftmost placement, unchanged base first): chr13-23334756-A-AT. GRCh37 (hg19) VCF-style: chr13-23908895-A-AT.
Other names: c.9119dup (NM_014363.4); c.8678dup, p.Asn2893fs (NM_001278055.2); short protein forms N2893fs, N3040fs.
Identifiers: ClinVar variation 1344007 (VCV001344007.11), dbSNP rs1435126137, ClinGen allele CA608985242.

ClinVar aggregate classification (germline): Pathogenic/Likely pathogenic. Review status: criteria provided, multiple submitters, no conflicts (2 of 4 stars). 4 submissions from 4 submitters: Pathogenic (3); Likely pathogenic (1). Last evaluated 2025-09-22.

Conditions:
Spastic paraplegia. Identifiers: MedGen C0037772, HP:0001258.
Hereditary spastic paraplegia. Also called: Familial spastic paraparesis. Identifiers: Orphanet 685, MedGen C0037773, MONDO:0019064. Disease mechanism: loss of function.
Charlevoix-Saguenay spastic ataxia (SACS). Also called: Spastic ataxia of Charlevoix-Saguenay; SPASTIC ATAXIA 6, AUTOSOMAL RECESSIVE; AUTOSOMAL RECESSIVE SPASTIC ATAXIA OF CHARLEVOIX-SAGUENAY. Identifiers: Orphanet 98, MedGen C1849140, MONDO:0010041, OMIM 270550.

Submissions (4):

Labcorp Genetics (formerly Invitae), Labcorp
Classification: Pathogenic for Spastic paraplegia. Last evaluated: 2025-09-22. Review status: criteria provided, single submitter. Criteria: Invitae Variant Classification Sherloc (09022015). Collection method: clinical testing. Allele origin: germline.
Comment: This sequence change creates a premature translational stop signal (p.Asn3040Lysfs*5) in the SACS gene. While this is not anticipated to result in nonsense mediated decay, it is expected to disrupt the last 1540 amino acid(s) of the SACS protein. This variant is present in population databases (no rsID available, gnomAD 0.01%). This premature translational stop signal has been observed in individual(s) with hereditary spastic paraplegia (PMID: 29449188). This variant is also known as c.9119dupA; p.Asn3040Lysfs*4. ClinVar contains an entry for this variant (Variation ID: 1344007). This variant disrupts a region of the SACS protein in which other variant(s) (p.Asn4549Asp) have been determined to be pathogenic (PMID: 15156359, 21507954). This suggests that this is a clinically significant region of the protein, and that variants that disrupt it are likely to be disease-causing. For these reasons, this variant has been classified as Pathogenic.

GeneDx
Classification: Pathogenic. Last evaluated: 2025-06-20. Review status: criteria provided, single submitter. Criteria: GeneDx Variant Classification Process June 2021. Collection method: clinical testing. Allele origin: germline. Affected: yes.
Comment: Frameshift variant predicted to result in abnormal protein length as the last 1540 amino acids are replaced with 4 different amino acids, and other similar variants have been reported in HGMD; Not observed at significant frequency in large population cohorts (gnomAD); This variant is associated with the following publications: (PMID: 29449188)

Fulgent Genetics
Classification: Likely pathogenic for Charlevoix-Saguenay spastic ataxia. Last evaluated: 2024-03-29. Review status: criteria provided, single submitter. Criteria: ACMG Guidelines, 2015. Collection method: clinical testing. Allele origin: germline.

Genome Diagnostics Laboratory, The Hospital for Sick Children
Classification: Pathogenic for Hereditary spastic paraplegia. Last evaluated: 2016-12-12. Review status: criteria provided, single submitter. Criteria: ACMG Guidelines, 2015. Collection method: clinical testing. Allele origin: germline. Affected: yes.

Literature cited by the submitters: PubMed 29449188 (cited by Labcorp Genetics (formerly Invitae), Labcorp); PubMed 15156359 (cited by Labcorp Genetics (formerly Invitae), Labcorp); PubMed 21507954 (cited by Labcorp Genetics (formerly Invitae), Labcorp).